The following is an entry in ClinVar:

ClinVar aggregate classification (germline): Uncertain significance (1 of 4 stars; one submission).

Submission:

GeneDx
Classification: Uncertain significance. Last evaluated: 2025-06-16. Review status: criteria provided, single submitter. Criteria: GeneDx Variant Classification Process June 2021. Collection method: clinical testing. Allele origin: germline. Affected: yes.
Comment: Not observed at significant frequency in large population cohorts (gnomAD); In silico analysis supports that this missense variant has a deleterious effect on protein structure/function; Has not been previously published as pathogenic or benign to our knowledge; This variant is associated with the following publications: (PMID: 24658002)

NM_003072.5(SMARCA4):c.2824T>C (p.Trp942Arg)

Gene: SMARCA4 (SWI/SNF related BAF chromatin remodeling complex subunit ATPase 4; plus strand). Cytogenetic location: 19p13.2.
Variant type: single nucleotide variant.
Coding change: c.2824T>C on transcript NM_003072.5 (MANE Select); coding-DNA position 2824, T replaced by C.
Protein change: p.Trp942Arg; replaces tryptophan 942 with arginine.
Molecular consequence: missense variant. On other transcripts: non-coding transcript variant (1).
Genome position (GRCh38, 1-based): chr19:11,021,932, T>C. VCF-style: chr19-11021932-T-C. GRCh37 (hg19) VCF-style: chr19-11132608-T-C.
Other names: c.2824T>C, p.Trp942Arg (NM_001128844.3, NM_001128845.2, NM_001128846.2 and 6 more transcripts); short protein forms W942R.
Identifiers: ClinVar variation 4538843 (VCV004538843.1).